The following is an entry in ClinVar:

NM_000152.5(GAA):c.2153_2156delinsACGCCG (p.Val718fs)

Gene: GAA (alpha glucosidase; plus strand). Cytogenetic location: 17q25.3.
Variant type: Indel.
Coding change: c.2153_2156delinsACGCCG on transcript NM_000152.5 (MANE Select); coding-DNA positions 2153 to 2156, TCGC replaced by ACGCCG.
Protein change: p.Val718fs; shifts the reading frame from valine 718.
Molecular consequence: frameshift variant.
Genome position (GRCh38, 1-based): chr17:80,113,330-80,113,333, TCGC replaced by ACGCCG. VCF-style: chr17-80113330-TCGC-ACGCCG. GRCh37 (hg19) VCF-style: chr17-78087129-TCGC-ACGCCG.
Other names: c.2153_2156delinsACGCCG, p.Val718fs (NM_001079803.3, NM_001079804.3, NM_001406741.1 and 1 more transcripts); short protein forms V718fs.
Identifiers: ClinVar variation 4876299 (VCV004876299.1).

ClinVar aggregate classification (germline): Likely pathogenic (1 of 4 stars; one submission).

Conditions:
Glycogen storage disease, type II (IOPD). Also called: Pompe Disease; CARDIOMEGALIA GLYCOGENICA DIFFUSA; GLYCOGENOSIS, GENERALIZED, CARDIAC FORM; GSD II; POMPE DISEASE, INFANTILE-ONSET; GLYCOGEN STORAGE DISEASE II, INFANTILE-ONSET. Identifiers: Orphanet 365, MedGen C0017921, MONDO:0009290, OMIM 232300.

Submission:

Genomenon, Inc
Classification: Likely pathogenic for Glycogen storage disease, type II. Last evaluated: 2026-07-01. Review status: criteria provided, single submitter. Criteria: Genomenon Sequence Variant Interpretation Standards - Updated. Collection method: curation. Allele origin: germline. Affected: no.
Comment: GAA p.Val718AspfsTer47 (c.2153_2156delinsACGCCG) is a frameshift variant that is predicted to introduce a premature termination codon and result in a truncated or absent protein product. This variant has been reported in the published literature (PMID:31342611;33560568). It is absent or not present at a significant frequency in gnomAD. In conclusion, we classify GAA p.Val718AspfsTer47 (c.2153_2156delinsACGCCG) as a likely pathogenic variant.

Literature cited by the submitters: PubMed 31342611; PubMed 33560568.